The following is an entry in ClinVar:

NM_001035.3(RYR2):c.2939C>T (p.Pro980Leu)

Gene: RYR2 (ryanodine receptor 2; plus strand). Cytogenetic location: 1q43.
Variant type: single nucleotide variant.
Coding change: c.2939C>T on transcript NM_001035.3 (MANE Select); coding-DNA position 2939, C replaced by T.
Protein change: p.Pro980Leu; replaces proline 980 with leucine.
Molecular consequence: missense variant.
Genome position (GRCh38, 1-based): chr1:237,548,463, C>T. VCF-style: chr1-237548463-C-T. GRCh37 (hg19) VCF-style: chr1-237711763-C-T.
Other names: short protein forms P980L.
Identifiers: ClinVar variation 3694049 (VCV003694049.2).
Genomic context (GRCh38, chr1:237,548,463, plus strand): 5'-CACAAATTTCTTTGTCTCTGATTTGTAGTTACCAGCTGACAAGTGGATACAAGCCTGCCC[C>T]TATGGACCTGAGCTTTATCAAACTCACCCCATCACAAGAAGCAATGGTGGACAAGTTGGC-3'
Protein context (NP_001026.2, residues 970-990): YQLTSGYKPA[Pro980Leu]MDLSFIKLTP

ClinVar aggregate classification (germline): Uncertain significance (1 of 4 stars; one submission).

Conditions:
Catecholaminergic polymorphic ventricular tachycardia 1. Also called: VENTRICULAR TACHYCARDIA, STRESS-INDUCED POLYMORPHIC 1; VENTRICULAR TACHYCARDIA, CATECHOLAMINERGIC POLYMORPHIC, 1, WITH OR WITHOUT ATRIAL DYSFUNCTION AND/OR DILATED CARDIOMYOPATHY; RYR2-Related Catecholaminergic Polymorphic Ventricular Tachycardia. Identifiers: Orphanet 3286, MedGen C1631597, MONDO:0011484, OMIM 604772.

Submission:

Labcorp Genetics (formerly Invitae), Labcorp
Classification: Uncertain significance for Catecholaminergic polymorphic ventricular tachycardia 1. Last evaluated: 2024-04-05. Review status: criteria provided, single submitter. Criteria: Invitae Variant Classification Sherloc (09022015). Collection method: clinical testing. Allele origin: germline.
Comment: This sequence change replaces proline, which is neutral and non-polar, with leucine, which is neutral and non-polar, at codon 980 of the RYR2 protein (p.Pro980Leu). This variant is not present in population databases (gnomAD no frequency). This variant has not been reported in the literature in individuals affected with RYR2-related conditions. Advanced modeling of protein sequence and biophysical properties (such as structural, functional, and spatial information, amino acid conservation, physicochemical variation, residue mobility, and thermodynamic stability) performed at Invitae indicates that this missense variant is expected to disrupt RYR2 protein function with a positive predictive value of 95%. In summary, the available evidence is currently insufficient to determine the role of this variant in disease. Therefore, it has been classified as a Variant of Uncertain Significance.